The following is an entry in ClinVar:

ClinVar aggregate classification (germline): Uncertain significance (1 of 4 stars; one submission).

gnomAD v4.1: 3 of 1,610,420 alleles (0.00019%); highest among the groups gnomAD compares: Non-Finnish European, 0.00025%; no homozygotes.

Submission:

Labcorp Genetics (formerly Invitae), Labcorp
Classification: Uncertain significance. Last evaluated: 2025-09-07. Review status: criteria provided, single submitter. Criteria: Invitae Variant Classification Sherloc (09022015). Collection method: clinical testing. Allele origin: germline.
Comment: This sequence change replaces lysine, which is basic and polar, with glutamic acid, which is acidic and polar, at codon 98 of the SLC25A21 protein (p.Lys98Glu). This variant is not present in population databases (gnomAD no frequency). This variant has not been reported in the literature in individuals affected with SLC25A21-related conditions. Invitae Evidence Modeling of protein sequence and biophysical properties (such as structural, functional, and spatial information, amino acid conservation, physicochemical variation, residue mobility, and thermodynamic stability) has been performed for this missense variant. However, the output from this modeling did not meet the statistical confidence thresholds required to predict the impact of this variant on SLC25A21 protein function. In summary, the available evidence is currently insufficient to determine the role of this variant in disease. Therefore, it has been classified as a Variant of Uncertain Significance.

NM_030631.4(SLC25A21):c.292A>G (p.Lys98Glu)

Gene: SLC25A21 (solute carrier family 25 member 21; minus strand). Cytogenetic location: 14q13.3.
Variant type: single nucleotide variant.
Coding change: c.292A>G on transcript NM_030631.4 (MANE Select); coding-DNA position 292, A replaced by G.
Protein change: p.Lys98Glu; replaces lysine 98 with glutamic acid.
Molecular consequence: missense variant.
Genome position (GRCh38, 1-based): chr14:36,729,545, T>C on the plus strand (A>G on the coding strand, the complement: SLC25A21 is on the minus strand). VCF-style: chr14-36729545-T-C. GRCh37 (hg19) VCF-style: chr14-37198750-T-C.
Other names: c.292A>G, p.Lys98Glu (NM_001171170.2); short protein forms K98E.
Identifiers: ClinVar variation 4696784 (VCV004696784.1).